The following is an entry in ClinVar:

ClinVar aggregate classification (germline): Uncertain significance. Review status: criteria provided, multiple submitters, no conflicts (2 of 4 stars). 2 submissions from 2 submitters: Uncertain significance (2). Last evaluated 2024-11-14.

Conditions:
Hereditary cancer-predisposing syndrome. Also called: Neoplastic Syndromes, Hereditary; Tumor predisposition; Hereditary neoplastic syndrome; Hereditary Cancer Syndrome. Identifiers: Orphanet 140162, MedGen C0027672, MeSH D009386, MONDO:0015356.
Familial cancer of breast. Also called: hereditary breast carcinoma; Hereditary breast cancer; BREAST CANCER, FAMILIAL. Identifiers: Orphanet 227535, MedGen C0346153, MONDO:0016419, OMIM 114480. Disease mechanism: loss of function.

Submissions (2):

Ambry Genetics
Classification: Uncertain significance for Hereditary cancer-predisposing syndrome. Last evaluated: 2024-11-14. Review status: criteria provided, single submitter. Criteria: Ambry Variant Classification Scheme 2023. Collection method: clinical testing. Allele origin: germline.
Comment: The p.A724T variant (also known as c.2170G>A), located in coding exon 11 of the BARD1 gene, results from a G to A substitution at nucleotide position 2170. The alanine at codon 724 is replaced by threonine, an amino acid with similar properties. This amino acid position is conserved. In addition, the in silico prediction for this alteration is inconclusive. Based on the available evidence, the clinical significance of this variant remains unclear.

Labcorp Genetics (formerly Invitae), Labcorp
Classification: Uncertain significance for Familial cancer of breast. Last evaluated: 2023-12-23. Review status: criteria provided, single submitter. Criteria: Invitae Variant Classification Sherloc (09022015). Collection method: clinical testing. Allele origin: germline.
Comment: This sequence change replaces alanine, which is neutral and non-polar, with threonine, which is neutral and polar, at codon 724 of the BARD1 protein (p.Ala724Thr). This variant is not present in population databases (gnomAD no frequency). This variant has not been reported in the literature in individuals affected with BARD1-related conditions. ClinVar contains an entry for this variant (Variation ID: 1356325). An algorithm developed to predict the effect of missense changes on protein structure and function (PolyPhen-2) suggests that this variant is likely to be disruptive. In summary, the available evidence is currently insufficient to determine the role of this variant in disease. Therefore, it has been classified as a Variant of Uncertain Significance.

NM_000465.4(BARD1):c.2170G>A (p.Ala724Thr)

Gene: BARD1 (BRCA1 associated RING domain 1; minus strand). Cytogenetic location: 2q35.
Variant type: single nucleotide variant.
Coding change: c.2170G>A on transcript NM_000465.4 (MANE Select); coding-DNA position 2170, G replaced by A.
Protein change: p.Ala724Thr; replaces alanine 724 with threonine.
Molecular consequence: missense variant. On other transcripts: non-coding transcript variant (3).
Genome position (GRCh38, 1-based): chr2:214,728,840, C>T on the plus strand (G>A on the coding strand, the complement: BARD1 is on the minus strand). VCF-style: chr2-214728840-C-T. GRCh37 (hg19) VCF-style: chr2-215593564-C-T.
Other names: c.2170G>A (NM_000465.2); c.2113G>A, p.Ala705Thr (NM_001282543.2); c.817G>A, p.Ala273Thr (NM_001282545.2); c.760G>A, p.Ala254Thr (NM_001282548.2); c.631G>A, p.Ala211Thr (NM_001282549.2); short protein forms A705T, A724T, A254T, A273T, A211T.
Identifiers: ClinVar variation 1356325 (VCV001356325.10), dbSNP rs2105987075, ClinGen allele CA350450397.
Genomic context (GRCh38, chr2:214,728,840, plus strand): 5'-TACACAAATCTTCATAGATGATATACTGTGTGCAGAAGCGCTGATCAGAATCGGGTCTCG[C>T]ATGGTATGCGACTGTATTGATGGTCTGAGTCACGTCACTGTCTGGCTTGGGCTTTCTACT-3'
Protein context (NP_000456.2, residues 714-734): TQTINTVAYH[Ala724Thr]RPDSDQRFCT